The following is an entry in ClinVar:

NM_003640.5(ELP1):c.2958+4T>A

Gene: ELP1 (elongator acetyltransferase complex subunit 1; minus strand). Cytogenetic location: 9q31.3.
Variant type: single nucleotide variant.
Coding change: c.2958+4T>A on transcript NM_003640.5 (MANE Select); 4 bases into the intron after coding-DNA position 2958, T replaced by A.
Molecular consequence: intron variant.
Genome position (GRCh38, 1-based): chr9:108,892,982, A>T on the plus strand (T>A on the coding strand, the complement: ELP1 is on the minus strand). VCF-style: chr9-108892982-A-T. GRCh37 (hg19) VCF-style: chr9-111655262-A-T.
Other names: c.2616+4T>A (NM_001318360.2); c.1911+4T>A (NM_001330749.2).
Identifiers: ClinVar variation 3715855 (VCV003715855.2).
Genomic context (GRCh38, chr9:108,892,982, plus strand): 5'-TCACTCCTTTCCTACTAAAGCAAAAAGCAAAACCAGGAGAGCCTCATTTTCACATACCAC[A>T]TACCTGGTACTGTTGTGAGCTTGGTGAATATAACTTCAGAGCTTCGTTATACAAGTTTTT-3'

ClinVar aggregate classification (germline): Uncertain significance (1 of 4 stars; one submission).

gnomAD v4.1: 7 of 1,604,518 alleles (0.00044%); highest among the groups gnomAD compares: East Asian, 0.016%; no homozygotes.

Submission:

Labcorp Genetics (formerly Invitae), Labcorp
Classification: Uncertain significance. Last evaluated: 2024-08-27. Review status: criteria provided, single submitter. Criteria: Invitae Variant Classification Sherloc (09022015). Collection method: clinical testing. Allele origin: germline.
Comment: This sequence change falls in intron 27 of the ELP1 gene. It does not directly change the encoded amino acid sequence of the ELP1 protein. It affects a nucleotide within the consensus splice site. This variant is present in population databases (rs776280363, gnomAD 0.03%). This variant has not been reported in the literature in individuals affected with ELP1-related conditions. Variants that disrupt the consensus splice site are a relatively common cause of aberrant splicing (PMID: 17576681, 9536098). Algorithms developed to predict the effect of sequence changes on RNA splicing suggest that this variant is not likely to affect RNA splicing. In summary, the available evidence is currently insufficient to determine the role of this variant in disease. Therefore, it has been classified as a Variant of Uncertain Significance.

Literature cited by the submitters: PubMed 17576681; PubMed 9536098.